The following is an entry in ClinVar:

ClinVar aggregate classification (germline): Uncertain significance. Review status: criteria provided, multiple submitters, no conflicts (2 of 4 stars). 2 submissions from 2 submitters: Uncertain significance (2). Last evaluated 2022-01-01.

Conditions:
Propionic acidemia (PROP). Also called: GLYCINEMIA, KETOTIC; HYPERGLYCINEMIA WITH KETOACIDOSIS AND LEUKOPENIA; KETOTIC HYPERGLYCINEMIA. Identifiers: Orphanet 35, MedGen C0268579, MONDO:0011628, OMIM 606054, HP:0003571.

Submissions (2):

Labcorp Genetics (formerly Invitae), Labcorp
Classification: Uncertain significance for Propionic acidemia. Last evaluated: 2022-01-01. Review status: criteria provided, single submitter. Criteria: Invitae Variant Classification Sherloc (09022015). Collection method: clinical testing. Allele origin: germline.
Comment: This sequence change replaces serine, which is neutral and polar, with isoleucine, which is neutral and non-polar, at codon 123 of the PCCB protein (p.Ser123Ile). This variant is not present in population databases (gnomAD no frequency). This variant has not been reported in the literature in individuals affected with PCCB-related conditions. ClinVar contains an entry for this variant (Variation ID: 902306). Advanced modeling of protein sequence and biophysical properties (such as structural, functional, and spatial information, amino acid conservation, physicochemical variation, residue mobility, and thermodynamic stability) performed at Invitae indicates that this missense variant is expected to disrupt PCCB protein function. In summary, the available evidence is currently insufficient to determine the role of this variant in disease. Therefore, it has been classified as a Variant of Uncertain Significance.

Illumina Laboratory Services, Illumina
Classification: Uncertain significance for Propionic acidemia. Last evaluated: 2018-01-12. Review status: criteria provided, single submitter. Criteria: ICSL Variant Classification Criteria 13 December 2019. Collection method: clinical testing. Allele origin: germline.

NM_000532.5(PCCB):c.368G>T (p.Ser123Ile)

Gene: PCCB (propionyl-CoA carboxylase subunit beta; plus strand). Cytogenetic location: 3q22.3.
Variant type: single nucleotide variant.
Coding change: c.368G>T on transcript NM_000532.5 (MANE Select); coding-DNA position 368, G replaced by T.
Protein change: p.Ser123Ile; replaces serine 123 with isoleucine.
Molecular consequence: missense variant.
Genome position (GRCh38, 1-based): chr3:136,256,619, G>T. VCF-style: chr3-136256619-G-T. GRCh37 (hg19) VCF-style: chr3-135975461-G-T.
Other names: c.368G>T, p.Ser123Ile (NM_001178014.2); short protein forms S123I.
Identifiers: ClinVar variation 902306 (VCV000902306.5), dbSNP rs1941677490, ClinGen allele CA354738771.